The following is an entry in ClinVar:

ClinVar aggregate classification (germline): Uncertain significance. Review status: criteria provided, multiple submitters, no conflicts (2 of 4 stars). 2 submissions from 2 submitters: Uncertain significance (2). Last evaluated 2025-03-05.

Conditions:
MAN2B2-related disorder. Also called: MAN2B2-related condition; MAN2B2-Related Disorders.

Allele frequency attached by ClinVar (database versions not stated): ExAC 0.00017; TOPMed 0.00020; gnomAD 0.00021; gnomAD exomes 0.00031; ESP Exome Variant Server 0.00045.
gnomAD v4.1: 451 of 1,532,870 alleles (0.029%); highest among the groups gnomAD compares: Non-Finnish European, 0.037%; no homozygotes.

Submissions (2):

PreventionGenetics, part of Exact Sciences
Classification: Uncertain significance for MAN2B2-related condition. Last evaluated: 2025-03-05. Review status: criteria provided, single submitter. Criteria: ACMG Guidelines, 2015. Collection method: clinical testing. Allele origin: germline.
Comment: The MAN2B2 c.22C>T variant is predicted to result in the amino acid substitution p.Pro8Ser. To our knowledge, this variant has not been reported in the literature. This variant is reported in 0.041% of alleles in individuals of European (Non-Finnish) descent in gnomAD. At this time, the clinical significance of this variant is uncertain due to the absence of conclusive functional and genetic evidence.

Ambry Genetics
Classification: Uncertain significance. Last evaluated: 2021-09-17. Review status: criteria provided, single submitter. Criteria: Ambry Variant Classification Scheme 2023. Collection method: clinical testing. Allele origin: germline.

NM_015274.3(MAN2B2):c.22C>T (p.Pro8Ser)

Gene: MAN2B2 (mannosidase alpha class 2B member 2; plus strand). Cytogenetic location: 4p16.1.
Variant type: single nucleotide variant.
Coding change: c.22C>T on transcript NM_015274.3 (MANE Select); coding-DNA position 22, C replaced by T.
Protein change: p.Pro8Ser; replaces proline 8 with serine.
Molecular consequence: missense variant.
Genome position (GRCh38, 1-based): chr4:6,575,232, C>T. VCF-style: chr4-6575232-C-T. GRCh37 (hg19) VCF-style: chr4-6576959-C-T.
Other names: c.22C>T, p.Pro8Ser (NM_001292038.2); c.22C>T (NM_015274.2); short protein forms P8S.
Identifiers: ClinVar variation 2357772 (VCV002357772.3), dbSNP rs374156683, ClinGen allele CA2840371.